The following is an entry in ClinVar:

ClinVar aggregate classification (germline): Uncertain significance (1 of 4 stars; one submission).

Submission:

Women's Health and Genetics/Laboratory Corporation of America, LabCorp
Classification: Uncertain significance. Last evaluated: 2022-05-02. Review status: criteria provided, single submitter. Criteria: LabCorp Variant Classification Summary - May 2015. Collection method: clinical testing. Allele origin: germline.
Comment: Variant summary: The variant identified by MLPA or other technology involves the duplication of exon 14 (i.e. the penultimate exon) in the CHEK2 gene. A presumed nomenclature of c.(1461+1_1462-1)_(1542+1_1543-1)dup has been designated for the purposes of this classification. It has been assumed that this is a tandem duplication in direct orientation (Richardson_GIM_2018, Newman_AJHG_2015). Although exact breakpoints of this duplication are not known, it is expected to result in an in-frame duplication change (residues 487-514) in the CHEK2 gene. The variant was absent in 21694 control chromosomes in the gnomAD database structural variants dataset. The available data on variant occurrences in the general population are insufficient to allow any conclusion about variant significance. To our knowledge, no occurrence of c.(1461+1_1462-1)_(1542+1_1543-1)dup in individuals affected with Hereditary Breast and Ovarian Cancer Syndrome and no experimental evidence demonstrating its impact on protein function have been reported. No clinical diagnostic laboratories have submitted clinical-significance assessments for this variant to ClinVar after 2014. Based on the evidence outlined above, the variant was classified as uncertain significance.

NC_000022.10:g.(29083975_29085122)_(29085204_29090019)dup

Gene: CHEK2 (checkpoint kinase 2; minus strand). Cytogenetic location: 22q12.1.
Variant type: Duplication.
Identifiers: ClinVar variation 1696292 (VCV001696292.1).